The following is an entry in ClinVar:

NM_000143.4(FH):c.312T>C (p.Ala104=)

Gene: FH (fumarate hydratase; minus strand). Cytogenetic location: 1q43.
Variant type: single nucleotide variant.
Coding change: c.312T>C on transcript NM_000143.4 (MANE Select); coding-DNA position 312, T replaced by C.
Protein change: p.Ala104=; no amino-acid change (alanine 104 retained).
Molecular consequence: synonymous variant.
Genome position (GRCh38, 1-based): chr1:241,513,669, A>G on the plus strand (T>C on the coding strand, the complement: FH is on the minus strand). VCF-style: chr1-241513669-A-G. GRCh37 (hg19) VCF-style: chr1-241676969-A-G.
Identifiers: ClinVar variation 681025 (VCV000681025.15), dbSNP rs1311053776, ClinGen allele CA424076477.

ClinVar aggregate classification (germline): Benign/Likely benign. Review status: criteria provided, multiple submitters, no conflicts (2 of 4 stars). 5 submissions from 5 submitters: Benign (1); Likely benign (3). 1 of the submissions does not count toward it. Last evaluated 2025-12-06.

Conditions:
Hereditary cancer-predisposing syndrome. Also called: Neoplastic Syndromes, Hereditary; Tumor predisposition; Hereditary neoplastic syndrome; Hereditary Cancer Syndrome. Identifiers: Orphanet 140162, MedGen C0027672, MeSH D009386, MONDO:0015356.
FH-related disorder. Also called: FH-related disorders; FH-related condition.
Hereditary leiomyomatosis and renal cell cancer. Also called: Familial leiomyomatosis; MULTIPLE CUTANEOUS AND UTERINE LEIOMYOMATA 1, WITH OR WITHOUT RENAL CELL CARCINOMA; Reed syndrome; Multiple cutaneous and uterine leiomyomatosis; Cutaneous leiomyomata with uterine leiomyomata; Leiomyoma, hereditary multiple, of skin. Identifiers: Orphanet 523, MedGen C1708350, MONDO:0007888, OMIM 150800, HP:0007437. Disease mechanism: loss of function.

Allele frequency attached by ClinVar (database versions not stated): gnomAD exomes below 0.00001; TOPMed 0.00001; gnomAD 0.00003.
gnomAD v4.1: 6 of 1,614,128 alleles (0.00037%); highest among the groups gnomAD compares: Non-Finnish European, 0.00042%; no homozygotes.

Submissions (5):

Labcorp Genetics (formerly Invitae), Labcorp
Classification: Likely benign. Last evaluated: 2025-12-06. Review status: criteria provided, single submitter. Criteria: Invitae Variant Classification Sherloc (09022015). Collection method: clinical testing. Allele origin: germline.

Myriad Genetics, Inc.
Classification: Benign for Hereditary leiomyomatosis and renal cell cancer. Last evaluated: 2024-10-17. Review status: criteria provided, single submitter. Criteria: Myriad Autosomal Dominant, Autosomal Recessive and X-Linked Classification Criteria (2023). Collection method: clinical testing. Allele origin: unknown.
Comment: This variant is considered benign. This variant is a silent/synonymous amino acid change and it is not expected to impact splicing.

Ambry Genetics
Classification: Likely benign for Hereditary cancer-predisposing syndrome. Last evaluated: 2020-10-28. Review status: criteria provided, single submitter. Criteria: Ambry Variant Classification Scheme 2023. Collection method: clinical testing. Allele origin: germline.

GeneDx
Classification: Likely benign. Last evaluated: 2018-03-16. Review status: criteria provided, single submitter. Criteria: GeneDx Variant Classification (06012015). Collection method: clinical testing. Allele origin: germline. Affected: yes.
Comment: This variant is considered likely benign or benign based on one or more of the following criteria: it is a conservative change, it occurs at a poorly conserved position in the protein, it is predicted to be benign by multiple in silico algorithms, and/or has population frequency not consistent with disease.

PreventionGenetics, part of Exact Sciences
Classification: Likely benign for FH-related condition. Last evaluated: 2023-12-04. Review status: no assertion criteria provided. Collection method: clinical testing. Allele origin: germline. Not counted in ClinVar's aggregate classification.
Comment: This variant is classified as likely benign based on ACMG/AMP sequence variant interpretation guidelines (Richards et al. 2015 PMID: 25741868, with internal and published modifications).